The following is an entry in ClinVar:

ClinVar aggregate classification (germline): Pathogenic/Likely pathogenic. Review status: criteria provided, multiple submitters, no conflicts (2 of 4 stars). 4 submissions from 4 submitters: Pathogenic (1); Likely pathogenic (3). Last evaluated 2024-08-05.

Conditions:
Usher syndrome type 1D (USH1D). Also called: USHER SYNDROME, TYPE ID. Identifiers: Orphanet 231169, Orphanet 886, MedGen C1832845, MONDO:0010984, OMIM 601067.
Usher syndrome type 1F (USH1F). Also called: USHER SYNDROME, TYPE IF. Identifiers: Orphanet 231169, Orphanet 886, MedGen C1865885, MONDO:0011186, OMIM 602083.
Autosomal recessive nonsyndromic hearing loss 23. Identifiers: Orphanet 90636, MedGen C1836027, MONDO:0012293, OMIM 609533.

Allele frequency attached by ClinVar (database versions not stated): gnomAD exomes below 0.00001; ExAC 0.00001.

Submissions (4):

Natera, Inc.
Classification: Likely pathogenic for Usher syndrome type 1F. Last evaluated: 2024-08-05. Review status: criteria provided, single submitter. Criteria: Natera Variant Classification Schema (03/2026). Collection method: clinical testing. Allele origin: germline.
Comment: The c.2107del variant in PCDH15 is a frameshift variant predicted to shift the reading frame and introduce a stop codon. This variant is expected to result in nonsense mediated decay, truncation, or a dysfunctional protein product. This variant is rare in the general population with a frequency below the threshold expected for the associated phenotype(s). Given the available evidence, this variant is classified as Likely Pathogenic.

Fulgent Genetics
Classification: Likely pathogenic for Usher syndrome type 1D; Usher syndrome type 1F; Autosomal recessive nonsyndromic hearing loss 23. Last evaluated: 2024-04-30. Review status: criteria provided, single submitter. Criteria: ACMG Guidelines, 2015. Collection method: clinical testing. Allele origin: germline.

Baylor Genetics
Classification: Likely pathogenic for Autosomal recessive nonsyndromic hearing loss 23. Last evaluated: 2023-07-30. Review status: criteria provided, single submitter. Criteria: ACMG Guidelines, 2015. Collection method: clinical testing. Allele origin: unknown.

Labcorp Genetics (formerly Invitae), Labcorp
Classification: Pathogenic. Last evaluated: 2023-05-16. Review status: criteria provided, single submitter. Criteria: Invitae Variant Classification Sherloc (09022015). Collection method: clinical testing. Allele origin: germline.
Comment: For these reasons, this variant has been classified as Pathogenic. This variant has not been reported in the literature in individuals affected with PCDH15-related conditions. This variant is present in population databases (rs771169423, gnomAD 0.007%). This sequence change creates a premature translational stop signal (p.Val703*) in the PCDH15 gene. It is expected to result in an absent or disrupted protein product. Loss-of-function variants in PCDH15 are known to be pathogenic (PMID: 11398101, 11487575, 14570705).

Literature cited by the submitters: PubMed 11398101 (cited by Labcorp Genetics (formerly Invitae), Labcorp); PubMed 11487575 (cited by Labcorp Genetics (formerly Invitae), Labcorp); PubMed 14570705 (cited by Labcorp Genetics (formerly Invitae), Labcorp).

NM_001384140.1(PCDH15):c.2107del (p.Thr702_Val703insTer)

Gene: PCDH15 (protocadherin related 15; minus strand). Cytogenetic location: 10q21.1.
Variant type: Deletion.
Coding change: c.2107del on transcript NM_001384140.1 (MANE Select); coding-DNA position 2107, one base deleted (G; older notation c.2107delG).
Protein change: p.Thr702_Val703insTer.
Molecular consequence: nonsense. On other transcripts: frameshift variant (1).
Genome position (GRCh38, 1-based): chr10:54,066,870, C deleted on the plus strand (G on the coding strand, the reverse complement: PCDH15 is on the minus strand). VCF-style (leftmost placement, unchanged base first): chr10-54066869-AC-A. GRCh37 (hg19) VCF-style: chr10-55826629-AC-A.
Other names: c.2107del (NM_033056.3); c.2107del, p.Thr702_Val703insTer (NM_033056.4, NM_001142764.2, NM_001142766.2 and 5 more transcripts); c.2122del, p.Thr707_Val708insTer (NM_001142763.2, NM_001142771.2); c.1894del, p.Thr631_Val632insTer (NM_001142765.2); c.1996del, p.Thr665_Val666insTer (NM_001142767.2); c.2041del, p.Thr680_Val681insTer (NM_001142768.2, NM_001142773.2, NM_001354404.2); c.2143delG, p.Val715Terfs (NM_001142769.4); c.2128del, p.Thr709_Val710insTer (NM_001354411.2).
Identifiers: ClinVar variation 2677539 (VCV002677539.6), dbSNP rs771169423, ClinGen allele CA5506114.